The following is an entry in ClinVar:

NM_052947.4(ALPK2):c.5550G>A (p.Pro1850=)

Gene: ALPK2 (alpha kinase 2; minus strand). Cytogenetic location: 18q21.31.
Variant type: single nucleotide variant.
Coding change: c.5550G>A on transcript NM_052947.4 (MANE Select); coding-DNA position 5550, G replaced by A.
Protein change: p.Pro1850=; no amino-acid change (proline 1850 retained).
Molecular consequence: synonymous variant.
Genome position (GRCh38, 1-based): chr18:58,524,014, C>T on the plus strand (G>A on the coding strand, the complement: ALPK2 is on the minus strand). VCF-style: chr18-58524014-C-T. GRCh37 (hg19) VCF-style: chr18-56191246-C-T.
Identifiers: ClinVar variation 1748242 (VCV001748242.4), dbSNP rs145864025, ClinGen allele CA8976446.

ClinVar aggregate classification (germline): Likely benign. Review status: criteria provided, single submitter (1 of 4 stars). 2 submissions from 2 submitters: Likely benign (1). 1 of the submissions does not count toward it. Last evaluated 2022-02-12.

Conditions:
ALPK2-related disorder. Also called: ALPK2-related condition.

Allele frequency attached by ClinVar (database versions not stated): gnomAD exomes 0.00017; ExAC 0.00045; 1000 Genomes Project 30x 0.00078; 1000 Genomes Project 0.00080; ESP Exome Variant Server 0.00146; gnomAD 0.00155; TOPMed 0.00165.

Submissions (2):

Ambry Genetics
Classification: Likely benign. Last evaluated: 2022-02-12. Review status: criteria provided, single submitter. Criteria: Ambry Variant Classification Scheme 2023. Collection method: clinical testing. Allele origin: germline.

PreventionGenetics, part of Exact Sciences
Classification: Likely benign for ALPK2-related condition. Last evaluated: 2019-02-18. Review status: no assertion criteria provided. Collection method: clinical testing. Allele origin: germline. Not counted in ClinVar's aggregate classification.
Comment: This variant is classified as likely benign based on ACMG/AMP sequence variant interpretation guidelines (Richards et al. 2015 PMID: 25741868, with internal and published modifications).